The following is an entry in ClinVar:

NM_000392.5(ABCC2):c.618C>A (p.Tyr206Ter)

Gene: ABCC2 (ATP binding cassette subfamily C member 2; plus strand). Cytogenetic location: 10q24.2.
Variant type: single nucleotide variant.
Coding change: c.618C>A on transcript NM_000392.5 (MANE Select); coding-DNA position 618, C replaced by A.
Protein change: p.Tyr206Ter; replaces tyrosine 206 with a stop codon.
Molecular consequence: nonsense.
Genome position (GRCh38, 1-based): chr10:99,794,454, C>A. VCF-style: chr10-99794454-C-A. GRCh37 (hg19) VCF-style: chr10-101554211-C-A.
Other names: short protein forms Y206*.
Identifiers: ClinVar variation 3679735 (VCV003679735.2).

ClinVar aggregate classification (germline): Pathogenic (1 of 4 stars; one submission).

Submission:

Labcorp Genetics (formerly Invitae), Labcorp
Classification: Pathogenic. Last evaluated: 2024-03-07. Review status: criteria provided, single submitter. Criteria: Invitae Variant Classification Sherloc (09022015). Collection method: clinical testing. Allele origin: germline.
Comment: This sequence change creates a premature translational stop signal (p.Tyr206*) in the ABCC2 gene. It is expected to result in an absent or disrupted protein product. Loss-of-function variants in ABCC2 are known to be pathogenic (PMID: 9185779, 16549534, 16952291). This variant is not present in population databases (gnomAD no frequency). This variant has not been reported in the literature in individuals affected with ABCC2-related conditions. Algorithms developed to predict the effect of sequence changes on RNA splicing suggest that this variant may disrupt the consensus splice site. For these reasons, this variant has been classified as Pathogenic.

Literature cited by the submitters: PubMed 9185779; PubMed 16549534; PubMed 16952291.